The following is an entry in ClinVar:

NM_001113491.2(SEPTIN9):c.1125-10C>T

Gene: SEPTIN9 (septin 9; plus strand). Cytogenetic location: 17q25.3.
Variant type: single nucleotide variant.
Coding change: c.1125-10C>T on transcript NM_001113491.2 (MANE Select); 10 bases into the intron before coding-DNA position 1125, C replaced by T.
Molecular consequence: intron variant.
Genome position (GRCh38, 1-based): chr17:77,488,717, C>T. VCF-style: chr17-77488717-C-T. GRCh37 (hg19) VCF-style: chr17-75484799-C-T.
Other names: c.1068-10C>T (NM_001293695.2); c.633-10C>T (NM_001113492.2, NM_001113494.1); c.1071-10C>T (NM_006640.5); c.1104-10C>T (NM_001113493.2); c.453-10C>T (NM_001293696.2); c.372-10C>T (NM_001113496.2, NM_001293697.2, NM_001293698.2 and 1 more transcripts).
Identifiers: ClinVar variation 325557 (VCV000325557.15), dbSNP rs199872443, ClinGen allele CA8793699.
Genomic context (GRCh38, chr17:77,488,717, plus strand): 5'-CTGGGAATGCACGACCTGCTTGGGGAGGGCATCTCATGTGCCTGCTGACTCGTCCCCATC[C>T]CCCACGCAGCTGGCAGCCCATCATGAAGTTCATCAATGACCAGTACGAGAAATACCTGCA-3'

ClinVar aggregate classification (germline): Benign/Likely benign. Review status: criteria provided, multiple submitters, no conflicts (2 of 4 stars). 4 submissions from 4 submitters: Benign (2); Likely benign (2). Last evaluated 2026-01-11.

Conditions:
Amyotrophic neuralgia (HNA). Also called: Hereditary Brachial Plexus Neuropathy; Neuritis with Brachial Predilection; AMYOTROPHY, HEREDITARY NEURALGIC, WITH PREDILECTION FOR BRACHIAL PLEXUS; AMYOTROPHY, HEREDITARY NEURALGIC. Identifiers: Orphanet 2901, MedGen C1834304, MONDO:0008076, OMIM 162100.

Allele frequency attached by ClinVar (database versions not stated): 1000 Genomes Project 30x 0.00016; 1000 Genomes Project 0.00020; gnomAD 0.00028 and 0.00029; gnomAD exomes 0.00028 and 0.00059; TOPMed 0.00029; ExAC 0.00033; ESP Exome Variant Server 0.00054.
gnomAD v4.1: 921 of 1,613,564 alleles (0.057%); highest among the groups gnomAD compares: South Asian, 0.089%; 2 homozygotes.

Submissions (4):

Labcorp Genetics (formerly Invitae), Labcorp
Classification: Likely benign. Last evaluated: 2026-01-11. Review status: criteria provided, single submitter. Criteria: Invitae Variant Classification Sherloc (09022015). Collection method: clinical testing. Allele origin: germline.

Blueprint Genetics
Classification: Likely benign. Last evaluated: 2024-11-06. Review status: criteria provided, single submitter. Criteria: ACMG Guidelines, 2015. Collection method: clinical testing. Allele origin: germline.

Genome-Nilou Lab
Classification: Benign for Amyotrophic neuralgia. Last evaluated: 2021-12-05. Review status: criteria provided, single submitter. Criteria: ACMG Guidelines, 2015. Collection method: clinical testing. Allele origin: germline. Affected: no.

Illumina Laboratory Services, Illumina
Classification: Benign for Amyotrophy, hereditary neuralgic. Last evaluated: 2018-01-12. Review status: criteria provided, single submitter. Criteria: ICSL Variant Classification Criteria 13 December 2019. Collection method: clinical testing. Allele origin: germline.
Comment: This variant was observed in the ICSL laboratory as part of a predisposition screen in an ostensibly healthy population. It had not been previously curated by ICSL or reported in the Human Gene Mutation Database (HGMD: prior to June 1st, 2018), and was therefore a candidate for classification through an automated scoring system. Utilizing variant allele frequency, disease prevalence and penetrance estimates, and inheritance mode, an automated score was calculated to assess if this variant is too frequent to cause the disease. Based on the score and internal cut-off values, a variant classified as benign is not then subjected to further curation. The score for this variant resulted in a classification of benign for this disease.